The following is an entry in ClinVar:

ClinVar aggregate classification (germline): Uncertain significance. Review status: criteria provided, multiple submitters, no conflicts (2 of 4 stars). 2 submissions from 2 submitters: Uncertain significance (2). Last evaluated 2025-08-27.

Allele frequency attached by ClinVar (database versions not stated): TOPMed below 0.00001; gnomAD 0.00001; gnomAD exomes 0.00001.
gnomAD v4.1: 10 of 1,593,432 alleles (0.00063%); highest among the groups gnomAD compares: Non-Finnish European, 0.00077%; no homozygotes.

Submissions (2):

Ambry Genetics
Classification: Uncertain significance. Last evaluated: 2025-08-27. Review status: criteria provided, single submitter. Criteria: Ambry Variant Classification Scheme 2023. Collection method: clinical testing. Allele origin: germline.

Labcorp Genetics (formerly Invitae), Labcorp
Classification: Uncertain significance. Last evaluated: 2023-11-06. Review status: criteria provided, single submitter. Criteria: Invitae Variant Classification Sherloc (09022015). Collection method: clinical testing. Allele origin: germline.
Comment: This sequence change replaces lysine, which is basic and polar, with threonine, which is neutral and polar, at codon 866 of the CCDC141 protein (p.Lys866Thr). This variant is present in population databases (no rsID available, gnomAD 0.002%). This variant has not been reported in the literature in individuals affected with CCDC141-related conditions. An algorithm developed to predict the effect of missense changes on protein structure and function (PolyPhen-2) suggests that this variant is likely to be disruptive. In summary, the available evidence is currently insufficient to determine the role of this variant in disease. Therefore, it has been classified as a Variant of Uncertain Significance.

NM_173648.4(CCDC141):c.2597A>C (p.Lys866Thr)

Gene: CCDC141 (coiled-coil domain containing 141; minus strand). Cytogenetic location: 2q31.2.
Variant type: single nucleotide variant.
Coding change: c.2597A>C on transcript NM_173648.4 (MANE Select); coding-DNA position 2597, A replaced by C.
Protein change: p.Lys866Thr; replaces lysine 866 with threonine.
Molecular consequence: missense variant.
Genome position (GRCh38, 1-based): chr2:178,865,894, T>G on the plus strand (A>C on the coding strand, the complement: CCDC141 is on the minus strand). VCF-style: chr2-178865894-T-G. GRCh37 (hg19) VCF-style: chr2-179730621-T-G.
Other names: c.2597A>C (NM_173648.3); short protein forms K866T.
Identifiers: ClinVar variation 2959259 (VCV002959259.4), dbSNP rs1362761325, ClinGen allele CA349451738.